The following is an entry in ClinVar:

NM_172107.4(KCNQ2):c.51G>T (p.Glu17Asp)

Gene: KCNQ2 (potassium voltage-gated channel subfamily Q member 2; minus strand). Cytogenetic location: 20q13.33.
Variant type: single nucleotide variant.
Coding change: c.51G>T on transcript NM_172107.4 (MANE Select); coding-DNA position 51, G replaced by T.
Protein change: p.Glu17Asp; replaces glutamic acid 17 with aspartic acid.
Molecular consequence: missense variant.
Genome position (GRCh38, 1-based): chr20:63,472,413, C>A on the plus strand (G>T on the coding strand, the complement: KCNQ2 is on the minus strand). VCF-style: chr20-63472413-C-A. GRCh37 (hg19) VCF-style: chr20-62103766-C-A.
Other names: c.51G>T, p.Glu17Asp (NM_001382235.1, NM_004518.6, NM_172106.3 and 2 more transcripts); short protein forms E17D.
Identifiers: ClinVar variation 1029261 (VCV001029261.1), dbSNP rs2082239531, ClinGen allele CA409636073.

ClinVar aggregate classification (germline): Uncertain significance (1 of 4 stars; one submission).

Conditions:
Developmental and epileptic encephalopathy, 7 (DEE7). Also called: KCNQ2-Related Neonatal Epileptic Encephalopathy; KCNQ2-Related Neonatal-Onset Developmental and Epileptic Encephalopathy (NEO-DEE); Early infantile epileptic encephalopathy 7. Identifiers: Orphanet 439218, MedGen C3150986, MONDO:0013387, OMIM 613720.

Allele frequency attached by ClinVar (database versions not stated): gnomAD exomes below 0.00001.
gnomAD v4.1: 2 of 1,538,846 alleles (0.00013%); highest among the groups gnomAD compares: Non-Finnish European, 0.00017%; no homozygotes.

Submission:

Baylor Genetics
Classification: Uncertain significance for Developmental and epileptic encephalopathy, 7. Last evaluated: 2019-06-28. Review status: criteria provided, single submitter. Criteria: ACMG Guidelines, 2015. Collection method: clinical testing. Allele origin: unknown. Affected: yes.
Comment: This variant was determined to be of uncertain significance according to ACMG Guidelines, 2015 [PMID:25741868].